The following is an entry in ClinVar:

NM_000179.3(MSH6):c.3296T>C (p.Ile1099Thr)

Gene: MSH6 (mutS homolog 6; plus strand). Cytogenetic location: 2p16.3.
Variant type: single nucleotide variant.
Coding change: c.3296T>C on transcript NM_000179.3 (MANE Select); coding-DNA position 3296, T replaced by C.
Protein change: p.Ile1099Thr; replaces isoleucine 1099 with threonine.
Molecular consequence: missense variant.
Genome position (GRCh38, 1-based): chr2:47,803,543, T>C. VCF-style: chr2-47803543-T-C. GRCh37 (hg19) VCF-style: chr2-48030682-T-C.
Other names: c.2906T>C, p.Ile969Thr (NM_001281492.2); c.2390T>C, p.Ile797Thr (NM_001281493.2, NM_001281494.2); short protein forms I1099T, I797T, I969T.
Identifiers: ClinVar variation 479892 (VCV000479892.17), dbSNP rs1553331494, ClinGen allele CA346758472.

ClinVar aggregate classification (germline): Uncertain significance. Review status: criteria provided, multiple submitters, no conflicts (2 of 4 stars). 3 submissions from 3 submitters: Uncertain significance (3). Last evaluated 2025-08-08.

Conditions:
Hereditary nonpolyposis colorectal neoplasms. Identifiers: MedGen C0009405, MeSH D003123.
Hereditary cancer-predisposing syndrome. Also called: Hereditary Cancer Syndrome; Neoplastic Syndromes, Hereditary; Tumor predisposition; Hereditary neoplastic syndrome. Identifiers: Orphanet 140162, MedGen C0027672, MeSH D009386, MONDO:0015356.

Submissions (3):

Ambry Genetics
Classification: Uncertain significance for Hereditary cancer-predisposing syndrome. Last evaluated: 2025-08-08. Review status: criteria provided, single submitter. Criteria: Ambry Variant Classification Scheme 2023. Collection method: clinical testing. Allele origin: germline.
Comment: The p.I1099T variant (also known as c.3296T>C), located in coding exon 5 of the MSH6 gene, results from a T to C substitution at nucleotide position 3296. The isoleucine at codon 1099 is replaced by threonine, an amino acid with similar properties. This amino acid position is not well conserved in available vertebrate species. In addition, this alteration is predicted to be deleterious by in silico analysis. Based on the available evidence, the clinical significance of this variant remains unclear.

Labcorp Genetics (formerly Invitae), Labcorp
Classification: Uncertain significance for Hereditary nonpolyposis colorectal neoplasms. Last evaluated: 2022-07-05. Review status: criteria provided, single submitter. Criteria: Invitae Variant Classification Sherloc (09022015). Collection method: clinical testing. Allele origin: germline.
Comment: This sequence change replaces isoleucine, which is neutral and non-polar, with threonine, which is neutral and polar, at codon 1099 of the MSH6 protein (p.Ile1099Thr). This variant is not present in population databases (gnomAD no frequency). This variant has not been reported in the literature in individuals affected with MSH6-related conditions. ClinVar contains an entry for this variant (Variation ID: 479892). Advanced modeling of protein sequence and biophysical properties (such as structural, functional, and spatial information, amino acid conservation, physicochemical variation, residue mobility, and thermodynamic stability) performed at Invitae indicates that this missense variant is not expected to disrupt MSH6 protein function. In summary, the available evidence is currently insufficient to determine the role of this variant in disease. Therefore, it has been classified as a Variant of Uncertain Significance.

GeneDx
Classification: Uncertain significance. Last evaluated: 2021-06-23. Review status: criteria provided, single submitter. Criteria: GeneDx Variant Classification Process June 2021. Collection method: clinical testing. Allele origin: germline. Affected: yes.
Comment: Has not been previously published as pathogenic or benign to our knowledge; Not observed at significant frequency in large population cohorts (Lek et al., 2016); In silico analysis supports that this missense variant has a deleterious effect on protein structure/function; This variant is associated with the following publications: (PMID: 17531815, 21120944, 27535533)